The following is an entry in ClinVar:

NM_001377.3(DYNC2H1):c.12869G>A (p.Gly4290Asp)

Gene: DYNC2H1 (dynein cytoplasmic 2 heavy chain 1; plus strand). Cytogenetic location: 11q22.3.
Variant type: single nucleotide variant.
Coding change: c.12869G>A on transcript NM_001377.3 (MANE Select); coding-DNA position 12869, G replaced by A.
Protein change: p.Gly4290Asp; replaces glycine 4290 with aspartic acid.
Molecular consequence: missense variant.
Genome position (GRCh38, 1-based): chr11:103,479,198, G>A. VCF-style: chr11-103479198-G-A. GRCh37 (hg19) VCF-style: chr11-103349926-G-A.
Other names: c.12890G>A, p.Gly4297Asp (NM_001080463.2); short protein forms G4290D, G4297D.
Identifiers: ClinVar variation 3616646 (VCV003616646.2).

ClinVar aggregate classification (germline): Uncertain significance (1 of 4 stars; one submission).

Conditions:
Jeune thoracic dystrophy. Also called: Short-rib thoracic dysplasia; Jeune syndrome; Infantile thoracic dystrophy; Thoracic pelvic phalangeal dystrophy; Jeune's syndrome; Chondroectodermal dysplasia-like syndrome. Identifiers: Orphanet 474, MedGen C0265275, MONDO:0018770.

gnomAD v4.1: 1 of 1,613,786 alleles (0.000062%); highest among the groups gnomAD compares: Middle Eastern, 0.016%; no homozygotes.

Submission:

Labcorp Genetics (formerly Invitae), Labcorp
Classification: Uncertain significance for Jeune thoracic dystrophy. Last evaluated: 2024-02-07. Review status: criteria provided, single submitter. Criteria: Invitae Variant Classification Sherloc (09022015). Collection method: clinical testing. Allele origin: germline.
Comment: This sequence change replaces glycine, which is neutral and non-polar, with aspartic acid, which is acidic and polar, at codon 4297 of the DYNC2H1 protein (p.Gly4297Asp). This variant is not present in population databases (gnomAD no frequency). This variant has not been reported in the literature in individuals affected with DYNC2H1-related conditions. Advanced modeling of protein sequence and biophysical properties (such as structural, functional, and spatial information, amino acid conservation, physicochemical variation, residue mobility, and thermodynamic stability) has been performed at Invitae for this missense variant, however the output from this modeling did not meet the statistical confidence thresholds required to predict the impact of this variant on DYNC2H1 protein function. In summary, the available evidence is currently insufficient to determine the role of this variant in disease. Therefore, it has been classified as a Variant of Uncertain Significance.